The following is an entry in ClinVar:

NM_000143.4(FH):c.1244del (p.Asn415fs)

Gene: FH (fumarate hydratase; minus strand). Cytogenetic location: 1q43.
Variant type: Deletion.
Coding change: c.1244del on transcript NM_000143.4 (MANE Select); coding-DNA position 1244, one base deleted (A; older notation c.1244delA).
Protein change: p.Asn415fs; shifts the reading frame from asparagine 415.
Molecular consequence: frameshift variant.
Genome position (GRCh38, 1-based): chr1:241,500,583, T deleted on the plus strand (A on the coding strand, the reverse complement: FH is on the minus strand); the first of 5 consecutive T bases (chr1:241,500,583-241,500,587); deleting any one gives the same sequence. VCF-style (leftmost placement, unchanged base first): chr1-241500582-AT-A. GRCh37 (hg19) VCF-style: chr1-241663882-AT-A.
Other names: c.1244delA (NM_000143.3); short protein forms N415fs.
Identifiers: ClinVar variation 4024832 (VCV004024832.1).

ClinVar aggregate classification (germline): Pathogenic (1 of 4 stars; one submission).

Conditions:
Hereditary cancer-predisposing syndrome. Also called: Tumor predisposition; Hereditary neoplastic syndrome; Neoplastic Syndromes, Hereditary; Hereditary Cancer Syndrome. Identifiers: Orphanet 140162, MedGen C0027672, MeSH D009386, MONDO:0015356.

Submission:

Ambry Genetics
Classification: Pathogenic for Hereditary cancer-predisposing syndrome. Last evaluated: 2025-05-26. Review status: criteria provided, single submitter. Criteria: Ambry Variant Classification Scheme 2023. Collection method: clinical testing. Allele origin: germline.
Comment: The c.1244delA pathogenic mutation, located in coding exon 9 of the FH gene, results from a deletion of one nucleotide at nucleotide position 1244, causing a translational frameshift with a predicted alternate stop codon (p.N415Mfs*34). This variant was reported in individual(s) with features consistent with hereditary leiomyomatosis and renal cell cancer (Ambry internal data). This variant is considered to be rare based on population cohorts in the Genome Aggregation Database (gnomAD). This alteration is expected to result in loss of function by premature protein truncation or nonsense-mediated mRNA decay. As such, this alteration is interpreted as a disease-causing mutation.